The following is an entry in ClinVar:

NM_152564.5(VPS13B):c.5761A>G (p.Thr1921Ala)

Gene: VPS13B (vacuolar protein sorting 13 homolog B; plus strand). Cytogenetic location: 8q22.2.
Variant type: single nucleotide variant.
Coding change: c.5761A>G on transcript NM_152564.5 (MANE Select); coding-DNA position 5761, A replaced by G.
Protein change: p.Thr1921Ala; replaces threonine 1921 with alanine.
Molecular consequence: missense variant.
Genome position (GRCh38, 1-based): chr8:99,642,351, A>G. VCF-style: chr8-99642351-A-G. GRCh37 (hg19) VCF-style: chr8-100654579-A-G.
Other names: c.5836A>G, p.Thr1946Ala (NM_017890.5); c.5836A>G (NM_017890.3); c.5761A>G (NM_152564.4); short protein forms T1921A, T1946A.
Identifiers: ClinVar variation 196920 (VCV000196920.20), dbSNP rs112749780, ClinGen allele CA244729.
Genomic context (GRCh38, chr8:99,642,351, plus strand): 5'-AGGTCATCTGCTAGACAAGCACTTGGTATAACTATTGTTCGGCAGCCTGGTCGAAGAGGA[A>G]CTGGTGACTTACAGCTAGAGCCTTTTCTGTACTTTATTGTGTCCCAGCCTTCCTTGCTTC-3'
Protein context (NP_689777.3, residues 1911-1931): TIVRQPGRRG[Thr1921Ala]GDLQLEPFLY

ClinVar aggregate classification (germline): Uncertain significance. Review status: criteria provided, multiple submitters, no conflicts (2 of 4 stars). 8 submissions from 8 submitters: Uncertain significance (5). 3 of the submissions do not count toward it. Last evaluated 2026-02-18.

Conditions:
VPS13B-related disorder. Also called: VPS13B-related condition.
Inborn genetic diseases. Identifiers: MedGen C0950123, MeSH D030342.
Cohen syndrome (COH1). Also called: PEPPER SYNDROME; Cutis verticis gyrata, retinitis pigmentosa, and sensorineural deafness. Identifiers: Orphanet 193, MedGen C0265223, MONDO:0008999, OMIM 216550.

Allele frequency attached by ClinVar (database versions not stated): gnomAD exomes below 0.00001; ExAC 0.00001; gnomAD 0.00003; TOPMed 0.00005.
gnomAD v4.1: 29 of 1,614,124 alleles (0.0018%); highest among the groups gnomAD compares: African/African-American, 0.028%; 1 homozygote.

Submissions (8):

PreventionGenetics, part of Exact Sciences
Classification: Uncertain significance for VPS13B-related condition. Last evaluated: 2026-02-18. Review status: criteria provided, single submitter. Criteria: ACMG Guidelines, 2015. Collection method: clinical testing. Allele origin: germline.
Comment: The VPS13B c.5761A>G variant is predicted to result in the amino acid substitution p.Thr1921Ala. To our knowledge, this variant has not been reported in the literature. This variant is reported in 0.0040% of alleles in individuals of African descent in gnomAD. At this time, the clinical significance of this variant is uncertain due to the absence of conclusive functional and genetic evidence.

Ambry Genetics
Classification: Uncertain significance for Inborn genetic diseases. Last evaluated: 2025-09-22. Review status: criteria provided, single submitter. Criteria: Ambry Variant Classification Scheme 2023. Collection method: clinical testing. Allele origin: germline.

Labcorp Genetics (formerly Invitae), Labcorp
Classification: Uncertain significance for Cohen syndrome. Last evaluated: 2025-01-11. Review status: criteria provided, single submitter. Criteria: Invitae Variant Classification Sherloc (09022015). Collection method: clinical testing. Allele origin: germline.
Comment: This sequence change replaces threonine, which is neutral and polar, with alanine, which is neutral and non-polar, at codon 1946 of the VPS13B protein (p.Thr1946Ala). This variant is present in population databases (rs112749780, gnomAD 0.004%). This variant has not been reported in the literature in individuals affected with VPS13B-related conditions. ClinVar contains an entry for this variant (Variation ID: 196920). Invitae Evidence Modeling of protein sequence and biophysical properties (such as structural, functional, and spatial information, amino acid conservation, physicochemical variation, residue mobility, and thermodynamic stability) indicates that this missense variant is not expected to disrupt VPS13B protein function with a negative predictive value of 80%. In summary, the available evidence is currently insufficient to determine the role of this variant in disease. Therefore, it has been classified as a Variant of Uncertain Significance.

Revvity Omics, Revvity
Classification: Uncertain significance for Cohen syndrome. Last evaluated: 2022-07-11. Review status: criteria provided, single submitter. Criteria: ACMG Guidelines, 2015. Collection method: clinical testing. Allele origin: germline.

Eurofins Ntd Llc (ga)
Classification: Uncertain significance. Last evaluated: 2015-04-03. Review status: criteria provided, single submitter. Criteria: EGL Classification Definitions 2015. Collection method: clinical testing. Allele origin: germline. Observed: 1 variant allele, 1 homozygote.

Natera, Inc.
Classification: Uncertain significance for Cohen syndrome. Last evaluated: 2019-12-31. Review status: no assertion criteria provided. Collection method: clinical testing. Allele origin: germline. Not counted in ClinVar's aggregate classification.

Clinical Genetics DNA and cytogenetics Diagnostics Lab, Erasmus MC, Erasmus Medical Center
Classification: Likely benign. Review status: no assertion criteria provided. Collection method: clinical testing. Allele origin: germline. Affected: yes. Study: VKGL Data-share Consensus. Not counted in ClinVar's aggregate classification.

Genome Diagnostics Laboratory, University Medical Center Utrecht
Classification: Likely benign. Review status: no assertion criteria provided. Collection method: clinical testing. Allele origin: germline. Affected: yes. Study: VKGL Data-share Consensus. Not counted in ClinVar's aggregate classification.